The following is an entry in ClinVar:

ClinVar aggregate classification (germline): Uncertain significance (1 of 4 stars; one submission).

Conditions:
BAAT-related disorder. Also called: BAAT-related condition.

Submission:

PreventionGenetics, part of Exact Sciences
Classification: Uncertain significance for BAAT-related condition. Last evaluated: 2026-07-06. Review status: criteria provided, single submitter. Criteria: ACMG Guidelines, 2015. Collection method: clinical testing. Allele origin: germline.
Comment: The BAAT c.1246A>T variant is predicted to result in the amino acid substitution p.Ser416Cys. To our knowledge, this variant has not been reported in the literature or in a large population database (gnomAD), indicating this variant is rare. At this time, the clinical significance of this variant is uncertain due to the absence of conclusive functional and genetic evidence.

NM_001701.4(BAAT):c.1246A>T (p.Ser416Cys)

Gene: BAAT (bile acid-CoA:amino acid N-acyltransferase; minus strand). Cytogenetic location: 9q31.1.
Variant type: single nucleotide variant.
Coding change: c.1246A>T on transcript NM_001701.4 (MANE Select); coding-DNA position 1246, A replaced by T.
Protein change: p.Ser416Cys; replaces serine 416 with cysteine.
Molecular consequence: missense variant.
Genome position (GRCh38, 1-based): chr9:101,362,439, T>A on the plus strand (A>T on the coding strand, the complement: BAAT is on the minus strand). VCF-style: chr9-101362439-T-A. GRCh37 (hg19) VCF-style: chr9-104124721-T-A.
Other names: c.1246A>T, p.Ser416Cys (NM_001127610.2, NM_001374715.1); short protein forms S416C.
Identifiers: ClinVar variation 4992081 (VCV004992081.1).
Genomic context (GRCh38, chr9:101,362,439, plus strand): 5'-TCCCGGTAAAGAGATTTGCTTCTTTATTTTCTAGGAATATCTAGTCTTCTTAGAGTTGAC[T>A]GGTCACATCTGGAATGAGGTGCTTCCTGAGAAATCTCTGGATCTCCTTCCAAGCATGTTC-3'
Protein context (NP_001692.1, residues 406-418): LRKHLIPDVT[Ser416Cys]QL